The following is an entry in ClinVar:

NM_177438.3(DICER1):c.1011A>C (p.Gln337His)

Gene: DICER1 (dicer 1, ribonuclease III; minus strand). Cytogenetic location: 14q32.13.
Variant type: single nucleotide variant.
Coding change: c.1011A>C on transcript NM_177438.3 (MANE Select); coding-DNA position 1011, A replaced by C.
Protein change: p.Gln337His; replaces glutamine 337 with histidine.
Molecular consequence: missense variant.
Genome position (GRCh38, 1-based): chr14:95,124,561, T>G on the plus strand (A>C on the coding strand, the complement: DICER1 is on the minus strand). VCF-style: chr14-95124561-T-G. GRCh37 (hg19) VCF-style: chr14-95590898-T-G.
Other names: NM_177438.3(DICER1):c.1011A>C; p.Gln337His; c.1011A>C, p.Gln337His (NM_001195573.1, NM_001271282.3, NM_001291628.2 and 1 more transcripts); short protein forms Q337H.
Identifiers: ClinVar variation 571148 (VCV000571148.15), dbSNP rs1383771176, ClinGen allele CA390887165.

ClinVar aggregate classification (germline): Uncertain significance. Review status: reviewed by expert panel (3 of 4 stars). 4 submissions from 4 submitters: Uncertain significance (1). 3 of the submissions do not count toward it. Last evaluated 2025-10-28.

Conditions:
DICER1-related tumor predisposition. Also called: DICER1 syndrome; DICER1-related pleuropulmonary blastoma cancer predisposition syndrome. Identifiers: Orphanet 284343, MedGen C3839822, MONDO:0100216.
Hereditary cancer-predisposing syndrome. Also called: Hereditary neoplastic syndrome; Neoplastic Syndromes, Hereditary; Hereditary Cancer Syndrome; Tumor predisposition. Identifiers: Orphanet 140162, MedGen C0027672, MeSH D009386, MONDO:0015356.

Allele frequency attached by ClinVar (database versions not stated): gnomAD exomes below 0.00001.
gnomAD v4.1: 4 of 1,613,908 alleles (0.00025%); highest among the groups gnomAD compares: South Asian, 0.0044%; no homozygotes.

Submissions (4):

ClinGen DICER1 and miRNA-Processing Gene Variant Curation Expert Panel, ClinGen
Classification: Uncertain significance for DICER1-related tumor predisposition. Last evaluated: 2025-10-28. Review status: reviewed by expert panel. Criteria: ClinGen DICER1 ACMG Specifications DICER1 V1.4.0. Collection method: curation. Allele origin: germline. Inheritance: Autosomal dominant inheritance.
Comment: The NM_177438.3:c.1011A>C variant in DICER1 is a missense variant predicted to cause substitution of glutamine by histidine at amino acid 337 (p.Gln337His). Although this variant has been observed in germline cases, to our knowledge, this variant has not been reported in individuals with DICER1-related tumor predisposition (PS4 not met; Internal lab contributors). The total allele frequency in gnomAD v4.1.0 is 0.000002478 (4/1613908 alleles) with a highest population minor allele frequency of 00004391 (4/91086 alleles) in South Asian population (PM2_Supporting, BS1, and BA1 are not met). In silico tools predict no damaging impact of the variant on protein function (REVEL: 0.18; MaxEntScan and SpliceAI: no effect on splicing) (BP4). In summary, this variant meets the criteria to be classified as Uncertain Significance for DICER1-related tumor predisposition based on the ACMG/AMP criteria applied, as specified by the ClinGen DICER1 VCEP: BP4. (Bayesian Points: -1; VCEP specifications version 1.4.0; 10/28/2025)

Labcorp Genetics (formerly Invitae), Labcorp
Classification: Uncertain significance for DICER1-related tumor predisposition. Last evaluated: 2026-02-04. Review status: criteria provided, single submitter. Criteria: Invitae Variant Classification Sherloc (09022015). Collection method: clinical testing. Allele origin: germline. Not counted in ClinVar's aggregate classification.
Comment: This sequence change replaces glutamine, which is neutral and polar, with histidine, which is basic and polar, at codon 337 of the DICER1 protein (p.Gln337His). This variant is present in population databases (no rsID available, gnomAD 0.003%). This variant has not been reported in the literature in individuals affected with DICER1-related conditions. ClinVar contains an entry for this variant (Variation ID: 571148). Invitae Evidence Modeling of protein sequence and biophysical properties (such as structural, functional, and spatial information, amino acid conservation, physicochemical variation, residue mobility, and thermodynamic stability) indicates that this missense variant is not expected to disrupt DICER1 protein function with a negative predictive value of 95%. In summary, the available evidence is currently insufficient to determine the role of this variant in disease. Therefore, it has been classified as a Variant of Uncertain Significance.

Ambry Genetics
Classification: Uncertain significance for Hereditary cancer-predisposing syndrome. Last evaluated: 2024-12-07. Review status: criteria provided, single submitter. Criteria: Ambry Variant Classification Scheme 2023. Collection method: clinical testing. Allele origin: germline. Not counted in ClinVar's aggregate classification.

GeneDx
Classification: Uncertain significance. Last evaluated: 2024-03-03. Review status: criteria provided, single submitter. Criteria: GeneDx Variant Classification Process June 2021. Collection method: clinical testing. Allele origin: germline. Affected: yes. Not counted in ClinVar's aggregate classification.
Comment: Not observed at significant frequency in large population cohorts (gnomAD); In silico analysis supports that this missense variant does not alter protein structure/function; Has not been previously published as pathogenic or benign to our knowledge